The following is an entry in ClinVar:

ClinVar aggregate classification (germline): Uncertain significance. Review status: criteria provided, multiple submitters, no conflicts (2 of 4 stars). 2 submissions from 2 submitters: Uncertain significance (2). Last evaluated 2024-07-03.

Conditions:
Hereditary cancer-predisposing syndrome. Also called: Hereditary Cancer Syndrome; Tumor predisposition; Hereditary neoplastic syndrome; Neoplastic Syndromes, Hereditary. Identifiers: Orphanet 140162, MedGen C0027672, MeSH D009386, MONDO:0015356.

Allele frequency attached by ClinVar (database versions not stated): gnomAD exomes below 0.00001.
gnomAD v4.1: 2 of 1,612,066 alleles (0.00012%); highest among the groups gnomAD compares: Non-Finnish European, 0.00017%; no homozygotes.

Submissions (2):

Labcorp Genetics (formerly Invitae), Labcorp
Classification: Uncertain significance. Last evaluated: 2024-07-03. Review status: criteria provided, single submitter. Criteria: Invitae Variant Classification Sherloc (09022015). Collection method: clinical testing. Allele origin: germline.
Comment: This sequence change replaces cysteine, which is neutral and slightly polar, with tyrosine, which is neutral and polar, at codon 2161 of the POLE protein (p.Cys2161Tyr). This variant is not present in population databases (gnomAD no frequency). This variant has not been reported in the literature in individuals affected with POLE-related conditions. ClinVar contains an entry for this variant (Variation ID: 1410419). Advanced modeling of protein sequence and biophysical properties (such as structural, functional, and spatial information, amino acid conservation, physicochemical variation, residue mobility, and thermodynamic stability) performed at Invitae indicates that this missense variant is expected to disrupt POLE protein function with a positive predictive value of 80%. In summary, the available evidence is currently insufficient to determine the role of this variant in disease. Therefore, it has been classified as a Variant of Uncertain Significance.

Ambry Genetics
Classification: Uncertain significance for Hereditary cancer-predisposing syndrome. Last evaluated: 2023-09-06. Review status: criteria provided, single submitter. Criteria: Ambry Variant Classification Scheme 2023. Collection method: clinical testing. Allele origin: germline.
Comment: The p.C2161Y variant (also known as c.6482G>A), located in coding exon 46 of the POLE gene, results from a G to A substitution at nucleotide position 6482. The cysteine at codon 2161 is replaced by tyrosine, an amino acid with highly dissimilar properties. This amino acid position is conserved. In addition, this alteration is predicted to be deleterious by in silico analysis. Since supporting evidence is limited at this time, the clinical significance of this alteration remains unclear.

NM_006231.4(POLE):c.6482G>A (p.Cys2161Tyr)

Gene: POLE (DNA polymerase epsilon, catalytic subunit; minus strand). Cytogenetic location: 12q24.33.
Variant type: single nucleotide variant.
Coding change: c.6482G>A on transcript NM_006231.4 (MANE Select); coding-DNA position 6482, G replaced by A.
Protein change: p.Cys2161Tyr; replaces cysteine 2161 with tyrosine.
Molecular consequence: missense variant.
Genome position (GRCh38, 1-based): chr12:132,626,166, C>T on the plus strand (G>A on the coding strand, the complement: POLE is on the minus strand). VCF-style: chr12-132626166-C-T. GRCh37 (hg19) VCF-style: chr12-133202752-C-T.
Other names: c.6482G>A (NM_006231.2); short protein forms C2161Y.
Identifiers: ClinVar variation 1410419 (VCV001410419.9), dbSNP rs2138430831, ClinGen allele CA387367340.